The following is an entry in ClinVar:

NM_003331.5(TYK2):c.658C>T (p.Arg220Cys)

Gene: TYK2 (tyrosine kinase 2; minus strand). Cytogenetic location: 19p13.2.
Variant type: single nucleotide variant.
Coding change: c.658C>T on transcript NM_003331.5 (MANE Select); coding-DNA position 658, C replaced by T.
Protein change: p.Arg220Cys; replaces arginine 220 with cysteine.
Molecular consequence: missense variant.
Genome position (GRCh38, 1-based): chr19:10,365,870, G>A on the plus strand (C>T on the coding strand, the complement: TYK2 is on the minus strand). VCF-style: chr19-10365870-G-A. GRCh37 (hg19) VCF-style: chr19-10476546-G-A.
Other names: short protein forms R220C.
Identifiers: ClinVar variation 849854 (VCV000849854.7), dbSNP rs557436288, ClinGen allele CA9193658.

ClinVar aggregate classification (germline): Uncertain significance (1 of 4 stars; one submission).

Conditions:
Immunodeficiency 35 (IMD35). Also called: TYK2 DEFICIENCY; Susceptibility to infection due to TYK2 deficiency; HIES WITH ATYPICAL MYCOBACTERIOSIS, AUTOSOMAL RECESSIVE; HYPER-IgE SYNDROME WITH ATYPICAL MYCOBACTERIOSIS, AUTOSOMAL RECESSIVE. Identifiers: Orphanet 331226, MedGen C1969086, MONDO:0012682, OMIM 611521.

Allele frequency attached by ClinVar (database versions not stated): TOPMed 0.00001; ExAC 0.00002; gnomAD 0.00002; gnomAD exomes 0.00002.
gnomAD v4.1: 32 of 1,611,602 alleles (0.002%); highest among the groups gnomAD compares: African/African-American, 0.004%; no homozygotes.

Submission:

Labcorp Genetics (formerly Invitae), Labcorp
Classification: Uncertain significance for Immunodeficiency 35. Last evaluated: 2020-01-24. Review status: criteria provided, single submitter. Criteria: Invitae Variant Classification Sherloc (09022015). Collection method: clinical testing. Allele origin: germline.
Comment: In summary, the available evidence is currently insufficient to determine the role of this variant in disease. Therefore, it has been classified as a Variant of Uncertain Significance. Algorithms developed to predict the effect of missense changes on protein structure and function (SIFT, PolyPhen-2, Align-GVGD) all suggest that this variant is likely to be tolerated, but these predictions have not been confirmed by published functional studies and their clinical significance is uncertain. This variant has not been reported in the literature in individuals with TYK2-related conditions. This variant is present in population databases (rs557436288, ExAC 0.004%). This sequence change replaces arginine with cysteine at codon 220 of the TYK2 protein (p.Arg220Cys). The arginine residue is highly conserved and there is a large physicochemical difference between arginine and cysteine.